The following is an entry in ClinVar:

NM_001199799.2(ILDR1):c.817A>G (p.Thr273Ala)

Gene: ILDR1 (immunoglobulin like domain containing receptor 1; minus strand). Cytogenetic location: 3q13.33.
Variant type: single nucleotide variant.
Coding change: c.817A>G on transcript NM_001199799.2 (MANE Select); coding-DNA position 817, A replaced by G.
Protein change: p.Thr273Ala; replaces threonine 273 with alanine.
Molecular consequence: missense variant.
Genome position (GRCh38, 1-based): chr3:121,993,932, T>C on the plus strand (A>G on the coding strand, the complement: ILDR1 is on the minus strand). VCF-style: chr3-121993932-T-C. GRCh37 (hg19) VCF-style: chr3-121712779-T-C.
Other names: c.550A>G, p.Thr184Ala (NM_001199800.2); c.685A>G, p.Thr229Ala (NM_175924.4); short protein forms T184A, T229A, T273A.
Identifiers: ClinVar variation 2255138 (VCV002255138.3), dbSNP rs150780868, ClinGen allele CA2568814.

ClinVar aggregate classification (germline): Uncertain significance. Review status: criteria provided, multiple submitters, no conflicts (2 of 4 stars). 2 submissions from 2 submitters: Uncertain significance (2). Last evaluated 2024-05-20.

Conditions:
Inborn genetic diseases. Identifiers: MedGen C0950123, MeSH D030342.

Allele frequency attached by ClinVar (database versions not stated): gnomAD exomes 0.00001; ExAC 0.00002; gnomAD 0.00009; TOPMed 0.00009; ESP Exome Variant Server 0.00015.
gnomAD v4.1: 25 of 1,613,090 alleles (0.0015%); highest among the groups gnomAD compares: African/African-American, 0.032%; no homozygotes.

Submissions (2):

GeneDx
Classification: Uncertain significance. Last evaluated: 2024-05-20. Review status: criteria provided, single submitter. Criteria: GeneDx Variant Classification Process June 2021. Collection method: clinical testing. Allele origin: germline. Affected: yes.
Comment: In silico analysis supports that this missense variant does not alter protein structure/function; Has not been previously published as pathogenic or benign to our knowledge

Ambry Genetics
Classification: Uncertain significance for Inborn genetic diseases. Last evaluated: 2021-10-12. Review status: criteria provided, single submitter. Criteria: Ambry Variant Classification Scheme 2023. Collection method: clinical testing. Allele origin: germline.